The following is an entry in ClinVar:

NM_145261.4(DNAJC19):c.130-292T>C

Gene: DNAJC19 (DnaJ heat shock protein family (Hsp40) member C19; minus strand). Cytogenetic location: 3q26.33.
Variant type: single nucleotide variant.
Coding change: c.130-292T>C on transcript NM_145261.4 (MANE Select); 292 bases into the intron before coding-DNA position 130, T replaced by C.
Molecular consequence: intron variant.
Genome position (GRCh38, 1-based): chr3:180,987,314, A>G on the plus strand (T>C on the coding strand, the complement: DNAJC19 is on the minus strand). VCF-style: chr3-180987314-A-G. GRCh37 (hg19) VCF-style: chr3-180705102-A-G.
Other names: c.55-292T>C (NM_001190233.2).
Identifiers: ClinVar variation 672546 (VCV000672546.2), dbSNP rs1805637, ClinGen allele CA89106589.

ClinVar aggregate classification (germline): Likely benign. Review status: criteria provided, multiple submitters, no conflicts (2 of 4 stars). 2 submissions from 2 submitters: Likely benign (2). Last evaluated 2018-06-14.

Allele frequency attached by ClinVar (database versions not stated): 1000 Genomes Project 30x 0.01296; 1000 Genomes Project 0.01298; TOPMed 0.02740; gnomAD 0.02945 and 0.03051; gnomAD exomes 0.03290.
gnomAD v4.1: 12,763 of 404,374 alleles (3.2%); highest among the groups gnomAD compares: Non-Finnish European, 4.2%; 251 homozygotes.

Submissions (2):

GeneDx
Classification: Likely benign. Last evaluated: 2018-06-14. Review status: criteria provided, single submitter. Criteria: GeneDx Variant Classification (06012015). Collection method: clinical testing. Allele origin: germline. Affected: yes.
Comment: This variant is considered likely benign or benign based on one or more of the following criteria: it is a conservative change, it occurs at a poorly conserved position in the protein, it is predicted to be benign by multiple in silico algorithms, and/or has population frequency not consistent with disease.

Breakthrough Genomics
Classification: Likely benign. Review status: criteria provided, single submitter. Criteria: ACMG Guidelines, 2015. Collection method: not provided. Allele origin: germline. Inheritance: Autosomal recessive inheritance. Affected: yes.